The following is an entry in ClinVar:

ClinVar aggregate classification (germline): Conflicting classifications of pathogenicity. Review status: criteria provided, conflicting classifications (1 of 4 stars). 4 submissions from 4 submitters: Pathogenic (2); Likely pathogenic (1); Uncertain significance (1). Last evaluated 2023-03-07.

Conditions:
Wilson disease (WND). Also called: Wilson's disease. Identifiers: Orphanet 905, MedGen C0019202, MONDO:0010200, OMIM 277900. Disease mechanism: loss of function.

Allele frequency attached by ClinVar (database versions not stated): gnomAD exomes below 0.00001; gnomAD 0.00001; TOPMed 0.00001.

Submissions (4):

Baylor Genetics
Classification: Uncertain significance for Wilson disease. Last evaluated: 2023-03-07. Review status: criteria provided, single submitter. Criteria: ACMG Guidelines, 2015. Collection method: clinical testing. Allele origin: unknown.

Labcorp Genetics (formerly Invitae), Labcorp
Classification: Pathogenic for Wilson disease. Last evaluated: 2022-01-28. Review status: criteria provided, single submitter. Criteria: Invitae Variant Classification Sherloc (09022015). Collection method: clinical testing. Allele origin: germline.
Comment: This sequence change creates a premature translational stop signal (p.Ser15Ilefs*19) in the ATP7B gene. It is expected to result in an absent or disrupted protein product. Loss-of-function variants in ATP7B are known to be pathogenic (PMID: 10441329, 16283883). This variant is not present in population databases (gnomAD no frequency). This variant has not been reported in the literature in individuals affected with ATP7B-related conditions. ClinVar contains an entry for this variant (Variation ID: 1076655). For these reasons, this variant has been classified as Pathogenic.

Genome-Nilou Lab
Classification: Pathogenic for Wilson disease. Last evaluated: 2021-08-10. Review status: criteria provided, single submitter. Criteria: ACMG Guidelines, 2015. Collection method: clinical testing. Allele origin: germline. Affected: no.

Laboratory for Molecular Medicine, Mass General Brigham Personalized Medicine
Classification: Likely pathogenic for Wilson disease. Last evaluated: 2020-06-11. Review status: criteria provided, single submitter. Criteria: ACMG Guidelines, 2015. Collection method: clinical testing. Allele origin: germline.
Comment: The p.Ser15IlefsX19 variant in ATP7B has not been previously reported in individuals with Wilson disease and was absent from large population studies. This variant is predicted to cause a frameshift, which alters the protein’s amino acid sequence beginning at position 15 and leads to a premature termination codon 19 amino acids downstream. This alteration is then predicted to lead to a truncated or absent protein. Loss of function of the ATP7B gene is an established disease mechanism in autosomal recessive Wilson disease. In summary, although additional studies are required to fully establish its clinical significance, this variant meets criteria to be classified as likely pathogenic for autosomal recessive Wilson disease. ACMG/AMP Criteria applied: PVS1, PM2.

Literature cited by the submitters: PubMed 10441329 (cited by Labcorp Genetics (formerly Invitae), Labcorp); PubMed 16283883 (cited by Labcorp Genetics (formerly Invitae), Labcorp); PubMed 30723317 (cited by Laboratory for Molecular Medicine, Mass General Brigham Personalized Medicine).

NM_000053.4(ATP7B):c.44del (p.Ser15fs)

Gene: ATP7B (ATPase copper transporting beta; minus strand). Cytogenetic location: 13q14.3.
Variant type: Deletion.
Coding change: c.44del on transcript NM_000053.4 (MANE Select); coding-DNA position 44, one base deleted (G; older notation c.44delG).
Protein change: p.Ser15fs; shifts the reading frame from serine 15.
Molecular consequence: frameshift variant.
Genome position (GRCh38, 1-based): chr13:52,011,294, C deleted on the plus strand (G on the coding strand, the reverse complement: ATP7B is on the minus strand). VCF-style (leftmost placement, unchanged base first): chr13-52011293-AC-A. GRCh37 (hg19) VCF-style: chr13-52585429-AC-A.
Other names: c.44del, p.Ser15fs (NM_001005918.3, NM_001243182.2, NM_001330578.2 and 1 more transcripts); short protein forms S15fs.
Identifiers: ClinVar variation 1076655 (VCV001076655.11), dbSNP rs1192728612, ClinGen allele CA698936518.